The following is an entry in ClinVar:

ClinVar aggregate classification (germline): Pathogenic (1 of 4 stars; one submission).

Submission:

Labcorp Genetics (formerly Invitae), Labcorp
Classification: Pathogenic. Last evaluated: 2023-11-24. Review status: criteria provided, single submitter. Criteria: Invitae Variant Classification Sherloc (09022015). Collection method: clinical testing. Allele origin: germline.
Comment: This sequence change creates a premature translational stop signal (p.Ala29Glyfs*159) in the GRM6 gene. It is expected to result in an absent or disrupted protein product. Loss-of-function variants in GRM6 are known to be pathogenic (PMID: 15781871, 16622103, 22008250). This variant is not present in population databases (gnomAD no frequency). This variant has not been reported in the literature in individuals affected with GRM6-related conditions. For these reasons, this variant has been classified as Pathogenic.

Literature cited by the submitters: PubMed 15781871; PubMed 16622103; PubMed 22008250.

NM_000843.4(GRM6):c.86_87del (p.Ala29fs)

Gene: GRM6 (glutamate metabotropic receptor 6; minus strand). Cytogenetic location: 5q35.3.
Variant type: Microsatellite.
Coding change: c.86_87del on transcript NM_000843.4 (MANE Select); coding-DNA positions 86 to 87, 2 bases deleted (CG; older notation c.86_87delCG).
Protein change: p.Ala29fs; shifts the reading frame from alanine 29.
Molecular consequence: frameshift variant.
Genome position (GRCh38, 1-based): chr5:178,994,858-178,994,859, CG deleted on the plus strand (CG on the coding strand, the reverse complement: GRM6 is on the minus strand); deleting any 2 consecutive bases within chr5:178,994,858-178,994,866 gives the same sequence; the c. name uses the placement nearest the transcript's 3' end. VCF-style (leftmost placement, unchanged base first): chr5-178994857-CCG-C. GRCh37 (hg19) VCF-style: chr5-178421858-CCG-C.
Other names: short protein forms A29fs.
Identifiers: ClinVar variation 2107991 (VCV002107991.4), dbSNP rs1433868678, ClinGen allele CA564902076.